The following is an entry in ClinVar:

ClinVar aggregate classification (germline): Uncertain significance. Review status: criteria provided, multiple submitters, no conflicts (2 of 4 stars). 2 submissions from 2 submitters: Uncertain significance (2). Last evaluated 2025-07-30.

Conditions:
Sessile serrated polyposis cancer syndrome (SSPCS). Identifiers: Orphanet 157798, MedGen C4310714, MONDO:0014919, OMIM 617108.

Submissions (2):

Labcorp Genetics (formerly Invitae), Labcorp
Classification: Uncertain significance. Last evaluated: 2025-07-30. Review status: criteria provided, single submitter. Criteria: Invitae Variant Classification Sherloc (09022015). Collection method: clinical testing. Allele origin: germline.
Comment: This sequence change replaces arginine, which is basic and polar, with threonine, which is neutral and polar, at codon 392 of the RNF43 protein (p.Arg392Thr). This variant is not present in population databases (gnomAD no frequency). This variant has not been reported in the literature in individuals affected with RNF43-related conditions. ClinVar contains an entry for this variant (Variation ID: 2678418). An algorithm developed to predict the effect of missense changes on protein structure and function (PolyPhen-2) suggests that this variant is likely to be disruptive. In summary, the available evidence is currently insufficient to determine the role of this variant in disease. Therefore, it has been classified as a Variant of Uncertain Significance.

Baylor Genetics
Classification: Uncertain significance for Sessile serrated polyposis cancer syndrome. Last evaluated: 2023-06-19. Review status: criteria provided, single submitter. Criteria: ACMG Guidelines, 2015. Collection method: clinical testing. Allele origin: unknown.

NM_017763.6(RNF43):c.1175G>C (p.Arg392Thr)

Gene: RNF43 (ring finger protein 43; minus strand). Cytogenetic location: 17q22.
Variant type: single nucleotide variant.
Coding change: c.1175G>C on transcript NM_017763.6 (MANE Select); coding-DNA position 1175, G replaced by C.
Protein change: p.Arg392Thr; replaces arginine 392 with threonine.
Molecular consequence: missense variant.
Genome position (GRCh38, 1-based): chr17:58,358,601, C>G on the plus strand (G>C on the coding strand, the complement: RNF43 is on the minus strand). VCF-style: chr17-58358601-C-G. GRCh37 (hg19) VCF-style: chr17-56435962-C-G.
Other names: c.1175G>C, p.Arg392Thr (NM_001305544.3); c.794G>C, p.Arg265Thr (NM_001305545.2); short protein forms R265T, R392T.
Identifiers: ClinVar variation 2678418 (VCV002678418.2), dbSNP rs1189701327, ClinGen allele CA400331166.